The following is an entry in ClinVar:

NM_005245.4(FAT1):c.857A>G (p.Asn286Ser)

Gene: FAT1 (FAT atypical cadherin 1; minus strand). Cytogenetic location: 4q35.2.
Variant type: single nucleotide variant.
Coding change: c.857A>G on transcript NM_005245.4 (MANE Select); coding-DNA position 857, A replaced by G.
Protein change: p.Asn286Ser; replaces asparagine 286 with serine.
Molecular consequence: missense variant.
Genome position (GRCh38, 1-based): chr4:186,708,971, T>C on the plus strand (A>G on the coding strand, the complement: FAT1 is on the minus strand). VCF-style: chr4-186708971-T-C. GRCh37 (hg19) VCF-style: chr4-187630125-T-C.
Other names: short protein forms N286S.
Identifiers: ClinVar variation 684628 (VCV000684628.2), dbSNP rs201488687, ClinGen allele CA3167578.

ClinVar aggregate classification (germline): Uncertain significance. Review status: criteria provided, single submitter (1 of 4 stars). 2 submissions from 2 submitters: Uncertain significance (1). 1 of the submissions does not count toward it. Last evaluated 2025-10-25.

Conditions:
FAT1-related disorder. Also called: FAT1-related condition.
Nephrotic syndrome. Identifiers: MedGen C0027726, MONDO:0005377, HP:0000100.

Allele frequency attached by ClinVar (database versions not stated): TOPMed 0.00003; gnomAD 0.00004 and 0.00005; ExAC 0.00005; gnomAD exomes 0.00005; 1000 Genomes Project 30x 0.00016; 1000 Genomes Project 0.00020.
gnomAD v4.1: 80 of 1,614,012 alleles (0.005%); highest among the groups gnomAD compares: Middle Eastern, 0.016%; no homozygotes.

Submissions (2):

PreventionGenetics, part of Exact Sciences
Classification: Uncertain significance for FAT1-related condition. Last evaluated: 2025-10-25. Review status: criteria provided, single submitter. Criteria: ACMG Guidelines, 2015. Collection method: clinical testing. Allele origin: germline.
Comment: The FAT1 c.857A>G variant is predicted to result in the amino acid substitution p.Asn286Ser. This variant was reported in the homozygous state in an individual with nephrotic syndrome, tubular ectasia, and hematuria with extrarenal phenotypes of Ewing sarcoma and right vesicourethral reflux (Gee et al. 2016. PubMed ID: 26905694). This variant is reported in 0.0078% of alleles in individuals of European (Non-Finnish) descent in gnomAD. Although we suspect that this variant may be pathogenic, at this time, the clinical significance of this variant is uncertain due to the absence of conclusive functional and genetic evidence.

Yale Center for Mendelian Genomics, Yale University
Classification: Likely pathogenic for Nephrotic Syndrome. Last evaluated: 2016-02-24. Review status: no assertion criteria provided. Collection method: literature only. Allele origin: germline. Affected: yes. Observed: 1 homozygote. Not counted in ClinVar's aggregate classification.

Literature cited by the submitters: PubMed 26905694 (cited by Yale Center for Mendelian Genomics, Yale University).